The following is an entry in ClinVar:

ClinVar aggregate classification (germline): Likely benign. Review status: reviewed by expert panel (3 of 4 stars). 4 submissions from 4 submitters: Likely benign (1). 3 of the submissions do not count toward it. Last evaluated 2017-06-29.

Conditions:
Hereditary cancer-predisposing syndrome. Also called: Tumor predisposition; Hereditary neoplastic syndrome; Neoplastic Syndromes, Hereditary; Hereditary Cancer Syndrome. Identifiers: Orphanet 140162, MedGen C0027672, MeSH D009386, MONDO:0015356.
Hereditary breast ovarian cancer syndrome. Also called: Hereditary breast and ovarian cancer; BRCA1- and BRCA2-Associated Hereditary Breast and Ovarian Cancer; Hereditary breast and/or ovarian cancer syndrome; Hereditary breast and ovarian cancer syndrome; Hereditary breast and ovarian cancer syndrome (HBOC); Breast and ovarian cancer. Identifiers: Orphanet 145, MedGen C0677776, MeSH D061325, MONDO:0003582. Disease mechanism: loss of function.
Breast-ovarian cancer, familial, susceptibility to, 2 (BROVCA2). Also called: BRCA2 Hereditary Breast and Ovarian Cancer. Identifiers: Orphanet 145, MedGen C2675520, MONDO:0012933, OMIM 612555. Disease mechanism: loss of function.

Submissions (4):

Evidence-based Network for the Interpretation of Germline Mutant Alleles (ENIGMA)
Classification: Likely benign for Breast-ovarian cancer, familial, susceptibility to, 2. Last evaluated: 2017-06-29. Review status: reviewed by expert panel. Criteria: ENIGMA BRCA1/2 Classification Criteria (2017-06-29). Collection method: curation. Allele origin: germline.
Comment: Synonymous substitution variant, with low bioinformatic likelihood to result in a splicing aberration (Splicing prior probability 0.02).

Labcorp Genetics (formerly Invitae), Labcorp
Classification: Likely benign for Hereditary breast ovarian cancer syndrome. Last evaluated: 2024-11-15. Review status: criteria provided, single submitter. Criteria: Invitae Variant Classification Sherloc (09022015). Collection method: clinical testing. Allele origin: germline. Not counted in ClinVar's aggregate classification.

Ambry Genetics
Classification: Likely benign for Hereditary cancer-predisposing syndrome. Last evaluated: 2023-10-12. Review status: criteria provided, single submitter. Criteria: Ambry Variant Classification Scheme 2023. Collection method: clinical testing. Allele origin: germline. Not counted in ClinVar's aggregate classification.

Color Diagnostics, LLC DBA Color Health
Classification: Likely benign for Hereditary cancer-predisposing syndrome. Last evaluated: 2022-04-29. Review status: criteria provided, single submitter. Criteria: ACMG Guidelines, 2015. Collection method: clinical testing. Allele origin: germline. Not counted in ClinVar's aggregate classification.

NM_000059.4(BRCA2):c.3327A>G (p.Ala1109=)

Gene: BRCA2 (BRCA2 DNA repair associated; plus strand). Cytogenetic location: 13q13.1.
Variant type: single nucleotide variant.
Coding change: c.3327A>G on transcript NM_000059.4 (MANE Select); coding-DNA position 3327, A replaced by G.
Protein change: p.Ala1109=; no amino-acid change (alanine 1109 retained).
Molecular consequence: synonymous variant.
Genome position (GRCh38, 1-based): chr13:32,337,682, A>G. VCF-style: chr13-32337682-A-G. GRCh37 (hg19) VCF-style: chr13-32911819-A-G.
Identifiers: ClinVar variation 219602 (VCV000219602.15), dbSNP rs864622176, ClinGen allele CA350710.
Genomic context (GRCh38, chr13:32,337,682, plus strand): 5'-GATGTTATTTTCCAAGCAGGATTTTAATTCAAACCATAATTTAACACCTAGCCAAAAGGC[A>G]GAAATTACAGAACTTTCTACTATATTAGAAGAATCAGGAAGTCAGTTTGAATTTACTCAG-3'
Protein context (NP_000050.3, residues 1099-1119): SNHNLTPSQK[Ala1109=]EITELSTILE